The following is an entry in ClinVar:

NM_147127.5(EVC2):c.1574C>T (p.Ala525Val)

Gene: EVC2 (EvC ciliary complex subunit 2; minus strand). Cytogenetic location: 4p16.2.
Variant type: single nucleotide variant.
Coding change: c.1574C>T on transcript NM_147127.5 (MANE Select); coding-DNA position 1574, C replaced by T.
Protein change: p.Ala525Val; replaces alanine 525 with valine.
Molecular consequence: missense variant.
Genome position (GRCh38, 1-based): chr4:5,631,929, G>A on the plus strand (C>T on the coding strand, the complement: EVC2 is on the minus strand). VCF-style: chr4-5631929-G-A. GRCh37 (hg19) VCF-style: chr4-5633656-G-A.
Other names: c.1334C>T, p.Ala445Val (NM_001166136.2); short protein forms A445V, A525V.
Identifiers: ClinVar variation 2072288 (VCV002072288.2), dbSNP rs372812834, ClinGen allele CA2835008.

ClinVar aggregate classification (germline): Uncertain significance (1 of 4 stars; one submission).

Conditions:
Curry-Hall syndrome (WAD). Also called: WEYERS ACRODENTAL DYSOSTOSIS. Identifiers: Orphanet 952, MedGen C0457013, MONDO:0008673, OMIM 193530.
Ellis-van Creveld syndrome (EVC). Also called: Chondroectodermal dysplasia; MESOECTODERMAL DYSPLASIA; EVC-Related Ellis-van Creveld Syndrome; EVC2-Related Ellis-van Creveld Syndrome. Identifiers: Orphanet 289, MedGen C0013903, MONDO:0009162, OMIM 225500.

Allele frequency attached by ClinVar (database versions not stated): ExAC 0.00001; ESP Exome Variant Server 0.00008; gnomAD exomes 0.00008; TOPMed 0.00008; gnomAD 0.00010.
gnomAD v4.1: 128 of 1,614,078 alleles (0.0079%); highest among the groups gnomAD compares: Non-Finnish European, 0.01%; no homozygotes.

Submission:

Labcorp Genetics (formerly Invitae), Labcorp
Classification: Uncertain significance for Curry-Hall syndrome; Ellis-van Creveld syndrome. Last evaluated: 2025-01-23. Review status: criteria provided, single submitter. Criteria: Invitae Variant Classification Sherloc (09022015). Collection method: clinical testing. Allele origin: germline.
Comment: This sequence change replaces alanine, which is neutral and non-polar, with valine, which is neutral and non-polar, at codon 525 of the EVC2 protein (p.Ala525Val). This variant is present in population databases (rs372812834, gnomAD 0.007%). This variant has not been reported in the literature in individuals affected with EVC2-related conditions. ClinVar contains an entry for this variant (Variation ID: 2072288). An algorithm developed to predict the effect of missense changes on protein structure and function (PolyPhen-2) suggests that this variant is likely to be disruptive. In summary, the available evidence is currently insufficient to determine the role of this variant in disease. Therefore, it has been classified as a Variant of Uncertain Significance.